The following is an entry in ClinVar:

NM_000051.4(ATM):c.8187A>G (p.Gln2729=)

Genes: ATM (ATM serine/threonine kinase; plus strand), C11orf65 (chromosome 11 open reading frame 65; minus strand). Cytogenetic location: 11q22.3.
Variant type: single nucleotide variant.
Coding change: c.8187A>G on transcript NM_000051.4 (MANE Select); coding-DNA position 8187, A replaced by G.
Protein change: p.Gln2729=; no amino-acid change (glutamine 2729 retained).
Molecular consequence: synonymous variant. On other transcripts: intron variant (2).
Genome position (GRCh38, 1-based): chr11:108,335,880, A>G. VCF-style: chr11-108335880-A-G. GRCh37 (hg19) VCF-style: chr11-108206607-A-G.
Other names: c.8187A>G, p.Gln2729= (NM_001351834.2); c.641-26809T>C (NM_001330368.2); c.695-588T>C (NM_001351110.2).
Identifiers: ClinVar variation 418045 (VCV000418045.22), dbSNP rs587781946, ClinGen allele CA16619249.

ClinVar aggregate classification (germline): Conflicting classifications of pathogenicity. Review status: criteria provided, conflicting classifications (1 of 4 stars). 7 submissions from 7 submitters: Uncertain significance (3); Benign (1); Likely benign (3). Last evaluated 2026-01-20.

Conditions:
Hereditary cancer-predisposing syndrome. Also called: Neoplastic Syndromes, Hereditary; Hereditary Cancer Syndrome; Tumor predisposition; Hereditary neoplastic syndrome. Identifiers: Orphanet 140162, MedGen C0027672, MeSH D009386, MONDO:0015356.
Familial cancer of breast. Also called: Hereditary breast cancer; BREAST CANCER, FAMILIAL; hereditary breast carcinoma. Identifiers: Orphanet 227535, MedGen C0346153, MONDO:0016419, OMIM 114480. Disease mechanism: loss of function.
Ataxia-telangiectasia syndrome (AT). Also called: LOUIS-BAR SYNDROME; Cerebello-oculocutaneous telangiectasia; Immunodeficiency with ataxia telangiectasia; Ataxia-telangiectasia, complementation group D; AT, COMPLEMENTATION GROUP C; Ataxia-telangiectasia, complementation group E. Identifiers: Orphanet 100, MedGen C0004135, MONDO:0008840, OMIM 208900.

Allele frequency attached by ClinVar (database versions not stated): gnomAD 0.00001 and below 0.00001; TOPMed 0.00001.
gnomAD v4.1: 1 of 1,613,952 alleles (0.000062%); highest among the groups gnomAD compares: South Asian, 0.0011%; no homozygotes.

Submissions (7):

Labcorp Genetics (formerly Invitae), Labcorp
Classification: Likely benign for Ataxia-telangiectasia syndrome. Last evaluated: 2026-01-20. Review status: criteria provided, single submitter. Criteria: Invitae Variant Classification Sherloc (09022015). Collection method: clinical testing. Allele origin: germline.

Myriad Genetics, Inc.
Classification: Benign for Familial cancer of breast. Last evaluated: 2024-06-18. Review status: criteria provided, single submitter. Criteria: Myriad Autosomal Dominant, Autosomal Recessive and X-Linked Classification Criteria (2023). Collection method: clinical testing. Allele origin: unknown.
Comment: This variant is considered benign. This variant is a silent/synonymous amino acid change and it is not expected to impact splicing.

Quest Diagnostics Nichols Institute San Juan Capistrano
Classification: Uncertain significance. Last evaluated: 2023-12-20. Review status: criteria provided, single submitter. Criteria: Quest Diagnostics criteria. Collection method: clinical testing. Allele origin: unknown.

Color Diagnostics, LLC DBA Color Health
Classification: Likely benign for Hereditary cancer-predisposing syndrome. Last evaluated: 2023-12-05. Review status: criteria provided, single submitter. Criteria: ACMG Guidelines, 2015. Collection method: clinical testing. Allele origin: germline.

Department of Pathology and Laboratory Medicine, Sinai Health System
Classification: Uncertain significance for Familial cancer of breast. Last evaluated: 2023-11-03. Review status: criteria provided, single submitter. Criteria: ACMG Guidelines, 2015. Collection method: clinical testing. Allele origin: germline. Affected: yes.

Ambry Genetics
Classification: Likely benign for Hereditary cancer-predisposing syndrome. Last evaluated: 2017-12-18. Review status: criteria provided, single submitter. Criteria: Ambry Variant Classification Scheme 2023. Collection method: clinical testing. Allele origin: germline.

GeneDx
Classification: Uncertain significance. Last evaluated: 2015-02-28. Review status: criteria provided, single submitter. Criteria: GeneDx Variant Classification (06012015). Collection method: clinical testing. Allele origin: germline. Affected: yes.
Comment: This variant is denoted ATM c.8187A>G at the DNA level. Although the variant is silent at the coding level, preserving a Glutamine at codon 2729, splicing models show discordant results, with a subset predicting abnormal splicing. This variant has not, to our knowledge, been published in the literature as pathogenic or benign. ATM 8187A>G was not observed in approximately 6,500 individuals of European and African American ancestry in the NHLBI Exome Sequencing Project, indicating it is not a common benign variant in these populations. The nucleotide which is altered, an adenine (A) at base 8187, is non-conserved across species. Based on currently available information, it is unclear whether ATM 8187A>G is pathogenic or benign. We consider it to be a variant of uncertain significance.